The following is an entry in ClinVar:

NM_182914.3(SYNE2):c.17927T>C (p.Met5976Thr)

Gene: SYNE2 (spectrin repeat containing nuclear envelope protein 2; plus strand). Cytogenetic location: 14q23.2.
Variant type: single nucleotide variant.
Coding change: c.17927T>C on transcript NM_182914.3 (MANE Select); coding-DNA position 17927, T replaced by C.
Protein change: p.Met5976Thr; replaces methionine 5976 with threonine.
Molecular consequence: missense variant.
Genome position (GRCh38, 1-based): chr14:64,190,126, T>C. VCF-style: chr14-64190126-T-C. GRCh37 (hg19) VCF-style: chr14-64656844-T-C.
Other names: c.17927T>C, p.Met5976Thr (NM_015180.6); short protein forms M5976T.
Identifiers: ClinVar variation 3002836 (VCV003002836.3), dbSNP rs2098511282, ClinGen allele CA389995514.

ClinVar aggregate classification (germline): Uncertain significance (1 of 4 stars; one submission).

Conditions:
Emery-Dreifuss muscular dystrophy 5, autosomal dominant (EDMD5). Also called: EMERY-DREIFUSS MUSCULAR DYSTROPHY 5. Identifiers: Orphanet 261, MedGen C2751805, MONDO:0013072, OMIM 612999.

Allele frequency attached by ClinVar (database versions not stated): gnomAD exomes below 0.00001; TOPMed below 0.00001.
gnomAD v4.1: 3 of 1,614,040 alleles (0.00019%); highest among the groups gnomAD compares: Non-Finnish European, 0.00017%; no homozygotes.

Submission:

Labcorp Genetics (formerly Invitae), Labcorp
Classification: Uncertain significance for Emery-Dreifuss muscular dystrophy 5, autosomal dominant. Last evaluated: 2025-02-13. Review status: criteria provided, single submitter. Criteria: Invitae Variant Classification Sherloc (09022015). Collection method: clinical testing. Allele origin: germline.
Comment: This sequence change replaces methionine, which is neutral and non-polar, with threonine, which is neutral and polar, at codon 5976 of the SYNE2 protein (p.Met5976Thr). This variant is not present in population databases (gnomAD no frequency). This variant has not been reported in the literature in individuals affected with SYNE2-related conditions. ClinVar contains an entry for this variant (Variation ID: 3002836). An algorithm developed to predict the effect of missense changes on protein structure and function (PolyPhen-2) suggests that this variant is likely to be disruptive. In summary, the available evidence is currently insufficient to determine the role of this variant in disease. Therefore, it has been classified as a Variant of Uncertain Significance.